The following is an entry in ClinVar:

ClinVar aggregate classification (germline): Benign. Review status: criteria provided, multiple submitters, no conflicts (2 of 4 stars). 9 submissions from 9 submitters: Benign (7). 2 of the submissions do not count toward it. Last evaluated 2026-02-04.

Conditions:
Hereditary spastic paraplegia 5A (SPG5A). Also called: SPASTIC PARAPLEGIA 5A, AUTOSOMAL RECESSIVE. Identifiers: Orphanet 100986, MedGen C1849115, MONDO:0010047, OMIM 270800.
Spastic paraplegia. Identifiers: MedGen C0037772, HP:0001258.
Hereditary spastic paraplegia. Also called: Familial spastic paraparesis. Identifiers: Orphanet 685, MedGen C0037773, MONDO:0019064. Disease mechanism: loss of function.

Allele frequency attached by ClinVar (database versions not stated): 1000 Genomes Project 30x 0.01577; 1000 Genomes Project 0.01777; TOPMed 0.02632; gnomAD 0.02701 and 0.02742; ESP Exome Variant Server 0.02952.
gnomAD v4.1: 59,236 of 1,613,552 alleles (3.7%); highest among the groups gnomAD compares: Middle Eastern, 6.3%; 1,319 homozygotes.

Submissions (9):

Labcorp Genetics (formerly Invitae), Labcorp
Classification: Benign for Spastic paraplegia. Last evaluated: 2026-02-04. Review status: criteria provided, single submitter. Criteria: Invitae Variant Classification Sherloc (09022015). Collection method: clinical testing. Allele origin: germline.

Athena Diagnostics
Classification: Benign. Last evaluated: 2025-08-25. Review status: criteria provided, single submitter. Criteria: Athena Diagnostics Criteria. Collection method: clinical testing. Allele origin: unknown.
Comment: The frequency of this variant in the general population is higher than would generally be expected for pathogenic variants in this gene.

Mayo Clinic Laboratories, Mayo Clinic
Classification: Benign. Last evaluated: 2022-04-29. Review status: criteria provided, single submitter. Criteria: ACMG Guidelines, 2015. Collection method: clinical testing. Allele origin: germline. Observed: 168 variant alleles.

Genome Diagnostics Laboratory, The Hospital for Sick Children
Classification: Benign for Hereditary spastic paraplegia. Last evaluated: 2021-11-11. Review status: criteria provided, single submitter. Criteria: ACMG Guidelines, 2015. Collection method: clinical testing. Allele origin: germline. Affected: yes.

Illumina Laboratory Services, Illumina
Classification: Benign for Hereditary spastic paraplegia 5A. Last evaluated: 2018-01-13. Review status: criteria provided, single submitter. Criteria: ICSL Variant Classification Criteria 13 December 2019. Collection method: clinical testing. Allele origin: germline.
Comment: This variant was observed in the ICSL laboratory as part of a predisposition screen in an ostensibly healthy population. It had not been previously curated by ICSL or reported in the Human Gene Mutation Database (HGMD: prior to June 1st, 2018), and was therefore a candidate for classification through an automated scoring system. Utilizing variant allele frequency, disease prevalence and penetrance estimates, and inheritance mode, an automated score was calculated to assess if this variant is too frequent to cause the disease. Based on the score and internal cut-off values, a variant classified as benign is not then subjected to further curation. The score for this variant resulted in a classification of benign for this disease.

GeneDx
Classification: Benign. Last evaluated: 2016-06-30. Review status: criteria provided, single submitter. Criteria: GeneDx Variant Classification (06012015). Collection method: clinical testing. Allele origin: germline. Affected: yes.
Comment: This variant is considered likely benign or benign based on one or more of the following criteria: it is a conservative change, it occurs at a poorly conserved position in the protein, it is predicted to be benign by multiple in silico algorithms, and/or has population frequency not consistent with disease.

Breakthrough Genomics
Classification: Benign. Review status: criteria provided, single submitter. Criteria: ACMG Guidelines, 2015. Collection method: not provided. Allele origin: germline. Inheritance: Autosomal recessive inheritance. Affected: yes.

Genome Diagnostics Laboratory, University Medical Center Utrecht
Classification: Likely benign. Review status: no assertion criteria provided. Collection method: clinical testing. Allele origin: germline. Affected: yes. Study: VKGL Data-share Consensus. Not counted in ClinVar's aggregate classification.

Joint Genome Diagnostic Labs from Nijmegen and Maastricht, Radboudumc and MUMC+
Classification: Benign. Review status: no assertion criteria provided. Collection method: clinical testing. Allele origin: germline. Affected: yes. Study: VKGL Data-share Consensus. Not counted in ClinVar's aggregate classification.

Literature cited by the submitters: PubMed 21966169 (cited by Athena Diagnostics); PubMed 15007371 (cited by Athena Diagnostics); PubMed 19439420 (cited by Athena Diagnostics); PubMed 26714052 (cited by Athena Diagnostics); PubMed 18855023 (cited by Athena Diagnostics); PubMed 22384504 (cited by Athena Diagnostics); PubMed 24340040 (cited by Athena Diagnostics); PubMed 21214876 (cited by Athena Diagnostics); PubMed 19187859 (cited by Athena Diagnostics).

NM_004820.5(CYP7B1):c.971G>A (p.Arg324His)

Gene: CYP7B1 (cytochrome P450 family 7 subfamily B member 1; minus strand). Cytogenetic location: 8q12.3.
Variant type: single nucleotide variant.
Coding change: c.971G>A on transcript NM_004820.5 (MANE Select); coding-DNA position 971, G replaced by A.
Protein change: p.Arg324His; replaces arginine 324 with histidine.
Molecular consequence: missense variant.
Genome position (GRCh38, 1-based): chr8:64,615,112, C>T on the plus strand (G>A on the coding strand, the complement: CYP7B1 is on the minus strand). VCF-style: chr8-64615112-C-T. GRCh37 (hg19) VCF-style: chr8-65527669-C-T.
Other names: c.971G>A, p.Arg324His (NM_001324112.2); short protein forms R324H.
Identifiers: ClinVar variation 363582 (VCV000363582.24), dbSNP rs59035258, ClinGen allele CA4764095.